The following is an entry in ClinVar:

NM_001142800.2(EYS):c.8159T>C (p.Ile2720Thr)

Gene: EYS (EGF-like photoreceptor maintenance factor; minus strand). Cytogenetic location: 6q12.
Variant type: single nucleotide variant.
Coding change: c.8159T>C on transcript NM_001142800.2 (MANE Select); coding-DNA position 8159, T replaced by C.
Protein change: p.Ile2720Thr; replaces isoleucine 2720 with threonine.
Molecular consequence: missense variant.
Genome position (GRCh38, 1-based): chr6:63,726,593, A>G on the plus strand (T>C on the coding strand, the complement: EYS is on the minus strand). VCF-style: chr6-63726593-A-G. GRCh37 (hg19) VCF-style: chr6-64436486-A-G.
Other names: c.8222T>C, p.Ile2741Thr (NM_001292009.2); short protein forms I2741T, I2720T.
Identifiers: ClinVar variation 1473307 (VCV001473307.4), dbSNP rs756985941, ClinGen allele CA3876728.

ClinVar aggregate classification (germline): Conflicting classifications of pathogenicity. Review status: criteria provided, conflicting classifications (1 of 4 stars). 2 submissions from 2 submitters: Likely pathogenic (1); Uncertain significance (1). Last evaluated 2021-10-11.

Conditions:
EYS-related disorder. Also called: EYS-related condition.

Allele frequency attached by ClinVar (database versions not stated): gnomAD exomes below 0.00001; ExAC 0.00005.
gnomAD v4.1: 2 of 1,551,410 alleles (0.00013%); highest among the groups gnomAD compares: Non-Finnish European, 0.00017%; no homozygotes.

Submissions (2):

Labcorp Genetics (formerly Invitae), Labcorp
Classification: Uncertain significance. Last evaluated: 2021-10-11. Review status: criteria provided, single submitter. Criteria: Invitae Variant Classification Sherloc (09022015). Collection method: clinical testing. Allele origin: germline.
Comment: This sequence change replaces isoleucine with threonine at codon 2720 of the EYS protein (p.Ile2720Thr). The isoleucine residue is highly conserved and there is a moderate physicochemical difference between isoleucine and threonine. The frequency data for this variant in the population databases is considered unreliable, as metrics indicate poor data quality at this position in the ExAC database. This variant has been observed in individual(s) with retinitis pigmentosa (PMID: 33576794). In at least one individual the data is consistent with the variant being in trans (on the opposite chromosome) from a pathogenic variant. Algorithms developed to predict the effect of missense changes on protein structure and function are either unavailable or do not agree on the potential impact of this missense change (SIFT: "Deleterious"; PolyPhen-2: "Possibly Damaging"; Align-GVGD: "Class C0"). In summary, the available evidence is currently insufficient to determine the role of this variant in disease. Therefore, it has been classified as a Variant of Uncertain Significance.

Blueprint Genetics
Classification: Likely pathogenic for EYS-related disorders. Last evaluated: 2021-06-15. Review status: criteria provided, single submitter. Criteria: ACMG Guidelines, 2015. Collection method: clinical testing. Allele origin: germline. Affected: yes. Observed: 2 variant alleles.

Literature cited by the submitters: PubMed 33576794 (cited by Labcorp Genetics (formerly Invitae), Labcorp).